The following is an entry in ClinVar:

ClinVar aggregate classification (germline): Uncertain significance (1 of 4 stars; one submission).

Conditions:
Duchenne muscular dystrophy (DMD). Also called: MUSCULAR DYSTROPHY, PSEUDOHYPERTROPHIC PROGRESSIVE, DUCHENNE TYPE; Duchenne Muscular Dystrophy (DMD). Identifiers: Orphanet 98896, MedGen C0013264, MONDO:0010679, OMIM 310200.

Allele frequency attached by ClinVar (database versions not stated): gnomAD exomes below 0.00001; ExAC 0.00001; gnomAD 0.00001; TOPMed 0.00001; ESP Exome Variant Server 0.00009.
gnomAD v4.1: 6 of 1,204,761 alleles (0.0005%); highest among the groups gnomAD compares: Non-Finnish European, 0.00067%; no homozygotes.

Submission:

Labcorp Genetics (formerly Invitae), Labcorp
Classification: Uncertain significance for Duchenne muscular dystrophy. Last evaluated: 2022-08-16. Review status: criteria provided, single submitter. Criteria: Invitae Variant Classification Sherloc (09022015). Collection method: clinical testing. Allele origin: germline.
Comment: This sequence change falls in intron 54 of the DMD gene. It does not directly change the encoded amino acid sequence of the DMD protein. It affects a nucleotide within the consensus splice site. This variant is not present in population databases (gnomAD no frequency). This variant has not been reported in the literature in individuals affected with DMD-related conditions. Variants that disrupt the consensus splice site are a relatively common cause of aberrant splicing (PMID: 17576681, 9536098). Algorithms developed to predict the effect of sequence changes on RNA splicing suggest that this variant is not likely to affect RNA splicing. In summary, the available evidence is currently insufficient to determine the role of this variant in disease. Therefore, it has been classified as a Variant of Uncertain Significance.

Literature cited by the submitters: PubMed 17576681; PubMed 9536098.

NM_004006.3(DMD):c.8027+6A>G

Gene: DMD (dystrophin; minus strand). Cytogenetic location: Xp21.1.
Variant type: single nucleotide variant.
Coding change: c.8027+6A>G on transcript NM_004006.3 (MANE Select); 6 bases into the intron after coding-DNA position 8027, A replaced by G.
Molecular consequence: intron variant.
Genome position (GRCh38, 1-based): chrX:31,657,984, T>C on the plus strand (A>G on the coding strand, the complement: DMD is on the minus strand). VCF-style: chrX-31657984-T-C. GRCh37 (hg19) VCF-style: chrX-31676101-T-C.
Other names: c.8003+6A>G (NM_000109.4); c.4004+6A>G (NM_004011.4); c.3995+6A>G (NM_004012.4); c.647+6A>G (NM_004023.3, NM_004020.4, NM_004022.3 and 2 more transcripts); c.8015+6A>G (NM_004009.3); c.7658+6A>G (NM_004010.3).
Identifiers: ClinVar variation 2040358 (VCV002040358.1), dbSNP rs367665628, ClinGen allele CA10378169.